The following is an entry in ClinVar:

NM_004415.4(DSP):c.4435_4456dup (p.Leu1486Ter)

Gene: DSP (desmoplakin; plus strand). Cytogenetic location: 6p24.3.
Variant type: Duplication.
Coding change: c.4435_4456dup on transcript NM_004415.4 (MANE Select); coding-DNA positions 4435 to 4456, 22 bases duplicated (AAAAACAAGGAGATAGAAAGGT).
Protein change: p.Leu1486Ter; replaces leucine 1486 with a stop codon.
Molecular consequence: nonsense. On other transcripts: intron variant (2).
Genome position (GRCh38, 1-based): chr6:7,580,625-7,580,646, AAAAACAAGGAGATAGAAAGGT duplicated; duplicating any 22 consecutive bases within chr6:7,580,624-7,580,646 gives the same sequence; the c. name uses the placement nearest the transcript's 3' end. VCF-style (leftmost placement, unchanged base first): chr6-7580623-A-ATAAAAACAAGGAGATAGAAAGG. GRCh37 (hg19) VCF-style: chr6-7580856-A-ATAAAAACAAGGAGATAGAAAGG.
Other names: c.4050+385_4050+406dup (NM_001319034.2); c.3582+853_3582+874dup (NM_001008844.3); short protein forms L1486*.
Identifiers: ClinVar variation 1343079 (VCV001343079.5), dbSNP rs2113694085, ClinGen allele CA2573052739.

ClinVar aggregate classification (germline): Likely pathogenic (1 of 4 stars; one submission).

Submission:

GeneDx
Classification: Likely pathogenic. Last evaluated: 2026-07-28. Review status: criteria provided, single submitter. Criteria: GeneDx Variant Classification Process June 2021. Collection method: clinical testing. Allele origin: germline.
Comment: Nonsense variant predicted to result in protein truncation or nonsense mediated decay in a gene for which loss-of-function is a known mechanism of disease; Not observed at significant frequency in large population cohorts (gnomAD); Has not been previously published as pathogenic or benign to our knowledge